The following is an entry in ClinVar:

NM_144670.6(A2ML1):c.3789C>G (p.Asn1263Lys)

Gene: A2ML1 (alpha-2-macroglobulin like 1; plus strand). Cytogenetic location: 12p13.31.
Variant type: single nucleotide variant.
Coding change: c.3789C>G on transcript NM_144670.6 (MANE Select); coding-DNA position 3789, C replaced by G.
Protein change: p.Asn1263Lys; replaces asparagine 1263 with lysine.
Molecular consequence: missense variant.
Genome position (GRCh38, 1-based): chr12:8,867,913, C>G. VCF-style: chr12-8867913-C-G. GRCh37 (hg19) VCF-style: chr12-9020509-C-G.
Other names: c.2316C>G, p.Asn772Lys (NM_001282424.3); short protein forms N1263K, N772K.
Identifiers: ClinVar variation 413827 (VCV000413827.14), dbSNP rs144876785, ClinGen allele CA6436482.
Genomic context (GRCh38, chr12:8,867,913, plus strand): 5'-TGCTCTCCAAGCTCTTGCCAAATATGCCACTACCGCCTACATGCCATCTGAGGAGATCAA[C>G]CTGGTTGTAAAATCCACTGAGAATTTCCAGCGCACATTCAACATACAGTCAGTTAACAGA-3'
Protein context (NP_653271.3, residues 1253-1273): TTAYMPSEEI[Asn1263Lys]LVVKSTENFQ

ClinVar aggregate classification (germline): Benign. Review status: criteria provided, multiple submitters, no conflicts (2 of 4 stars). 3 submissions from 3 submitters: Benign (3). Last evaluated 2026-01-25.

Allele frequency attached by ClinVar (database versions not stated): gnomAD exomes 0.00078; ExAC 0.00079; ESP Exome Variant Server 0.00304; gnomAD 0.00305 and 0.00327; 1000 Genomes Project 30x 0.00328; 1000 Genomes Project 0.00339; TOPMed 0.00371.
gnomAD v4.1: 913 of 1,614,236 alleles (0.057%); highest among the groups gnomAD compares: African/African-American, 1.1%; 5 homozygotes.

Submissions (3):

Labcorp Genetics (formerly Invitae), Labcorp
Classification: Benign. Last evaluated: 2026-01-25. Review status: criteria provided, single submitter. Criteria: Invitae Variant Classification Sherloc (09022015). Collection method: clinical testing. Allele origin: germline.

GeneDx
Classification: Benign. Last evaluated: 2020-05-04. Review status: criteria provided, single submitter. Criteria: GeneDx Variant Classification Process June 2021. Collection method: clinical testing. Allele origin: germline. Affected: yes.

Women's Health and Genetics/Laboratory Corporation of America, LabCorp
Classification: Benign. Last evaluated: 2020-02-14. Review status: criteria provided, single submitter. Criteria: LabCorp Variant Classification Summary - May 2015. Collection method: clinical testing. Allele origin: germline.
Comment: Variant summary: A2ML1 c.3789C>G (p.Asn1263Lys) results in a non-conservative amino acid change in the encoded protein sequence. Four of five in-silico tools predict a benign effect of the variant on protein function. The variant allele was found at a frequency of 0.0011 in 280962 control chromosomes, predominantly at a frequency of 0.012 within the African or African-American subpopulation in the gnomAD database, including 1 homozygotes. The observed variant frequency within African or African-American control individuals in the gnomAD database is approximately 3000 fold of the estimated maximal expected allele frequency for a pathogenic variant in A2ML1 causing Noonan Syndrome phenotype (4e-06), strongly suggesting that the variant is a benign polymorphism found primarily in populations of African or African-American origin. To our knowledge, no experimental evidence demonstrating its impact on protein function have been reported. Two ClinVar submitters (evaluation after 2014) cite the variant as benign/likely benign. Based on the evidence outlined above, the variant was classified as benign.